The following is an entry in ClinVar:

NM_033109.5(PNPT1):c.407G>C (p.Arg136Pro)

Gene: PNPT1 (polyribonucleotide nucleotidyltransferase 1; minus strand). Cytogenetic location: 2p16.1.
Variant type: single nucleotide variant.
Coding change: c.407G>C on transcript NM_033109.5 (MANE Select); coding-DNA position 407, G replaced by C.
Protein change: p.Arg136Pro; replaces arginine 136 with proline.
Molecular consequence: missense variant.
Genome position (GRCh38, 1-based): chr2:55,683,831, C>G on the plus strand (G>C on the coding strand, the complement: PNPT1 is on the minus strand). VCF-style: chr2-55683831-C-G. GRCh37 (hg19) VCF-style: chr2-55910966-C-G.
Other names: short protein forms R136P.
Identifiers: ClinVar variation 1361412 (VCV001361412.6), dbSNP rs746356243, ClinGen allele CA1668486.

ClinVar aggregate classification (germline): Uncertain significance (1 of 4 stars; one submission).

Allele frequency attached by ClinVar (database versions not stated): gnomAD 0.00001.
gnomAD v4.1: 3 of 1,613,130 alleles (0.00019%); highest among the groups gnomAD compares: African/African-American, 0.0027%; no homozygotes.

Submission:

Labcorp Genetics (formerly Invitae), Labcorp
Classification: Uncertain significance. Last evaluated: 2022-06-13. Review status: criteria provided, single submitter. Criteria: Invitae Variant Classification Sherloc (09022015). Collection method: clinical testing. Allele origin: germline.
Comment: In summary, the available evidence is currently insufficient to determine the role of this variant in disease. Therefore, it has been classified as a Variant of Uncertain Significance. Advanced modeling of protein sequence and biophysical properties (such as structural, functional, and spatial information, amino acid conservation, physicochemical variation, residue mobility, and thermodynamic stability) performed at Invitae indicates that this missense variant is expected to disrupt PNPT1 protein function. This variant has not been reported in the literature in individuals affected with PNPT1-related conditions. The frequency data for this variant in the population databases is considered unreliable, as metrics indicate poor data quality at this position in the gnomAD database. This sequence change replaces arginine, which is basic and polar, with proline, which is neutral and non-polar, at codon 136 of the PNPT1 protein (p.Arg136Pro).